The following is an entry in ClinVar:

ClinVar aggregate classification (germline): Uncertain significance (1 of 4 stars; one submission).

Submission:

Labcorp Genetics (formerly Invitae), Labcorp
Classification: Uncertain significance. Last evaluated: 2022-01-27. Review status: criteria provided, single submitter. Criteria: Invitae Variant Classification Sherloc (09022015). Collection method: clinical testing. Allele origin: germline.
Comment: This sequence change replaces glutamine, which is neutral and polar, with arginine, which is basic and polar, at codon 433 of the LTBP2 protein (p.Gln433Arg). This variant is not present in population databases (gnomAD no frequency). This variant has not been reported in the literature in individuals affected with LTBP2-related conditions. Algorithms developed to predict the effect of missense changes on protein structure and function output the following: SIFT: "Tolerated"; PolyPhen-2: "Benign"; Align-GVGD: "Class C0". The arginine amino acid residue is found in multiple mammalian species, which suggests that this missense change does not adversely affect protein function. In summary, the available evidence is currently insufficient to determine the role of this variant in disease. Therefore, it has been classified as a Variant of Uncertain Significance.

NM_000428.3(LTBP2):c.1298A>G (p.Gln433Arg)

Gene: LTBP2 (latent transforming growth factor beta binding protein 2; minus strand). Cytogenetic location: 14q24.3.
Variant type: single nucleotide variant.
Coding change: c.1298A>G on transcript NM_000428.3 (MANE Select); coding-DNA position 1298, A replaced by G.
Protein change: p.Gln433Arg; replaces glutamine 433 with arginine.
Molecular consequence: missense variant.
Genome position (GRCh38, 1-based): chr14:74,552,288, T>C on the plus strand (A>G on the coding strand, the complement: LTBP2 is on the minus strand). VCF-style: chr14-74552288-T-C. GRCh37 (hg19) VCF-style: chr14-75018991-T-C.
Other names: short protein forms Q433R.
Identifiers: ClinVar variation 2090363 (VCV002090363.4), dbSNP rs2506172863, ClinGen allele CA390400294.